The following is an entry in ClinVar:

ClinVar aggregate classification (germline): Uncertain significance (1 of 4 stars; one submission).

Submission:

GeneDx
Classification: Uncertain significance. Last evaluated: 2024-05-22. Review status: criteria provided, single submitter. Criteria: GeneDx Variant Classification Process June 2021. Collection method: clinical testing. Allele origin: germline. Affected: yes.
Comment: Not observed at significant frequency in large population cohorts (gnomAD); In silico analysis indicates that this missense variant does not alter protein structure/function; Has not been previously published as pathogenic or benign to our knowledge

NM_001830.4(CLCN4):c.1906G>C (p.Val636Leu)

Gene: CLCN4 (chloride voltage-gated channel 4; plus strand). Cytogenetic location: Xp22.2.
Variant type: single nucleotide variant.
Coding change: c.1906G>C on transcript NM_001830.4 (MANE Select); coding-DNA position 1906, G replaced by C.
Protein change: p.Val636Leu; replaces valine 636 with leucine.
Molecular consequence: missense variant.
Genome position (GRCh38, 1-based): chrX:10,214,010, G>C. VCF-style: chrX-10214010-G-C. GRCh37 (hg19) VCF-style: chrX-10182050-G-C.
Other names: c.1624G>C, p.Val542Leu (NM_001256944.2); short protein forms V542L, V636L.
Identifiers: ClinVar variation 3381667 (VCV003381667.1).